The following is an entry in ClinVar:

ClinVar aggregate classification (germline): Uncertain significance (1 of 4 stars; one submission).

Conditions:
Proline dehydrogenase deficiency (HYRPRO1). Also called: PROLINE OXIDASE DEFICIENCY; Hyperprolinemia type 1. Identifiers: Orphanet 419, MedGen C0268529, MONDO:0009400, OMIM 239500.

Allele frequency attached by ClinVar (database versions not stated): ExAC 0.00003.

Submission:

Labcorp Genetics (formerly Invitae), Labcorp
Classification: Uncertain significance for Proline dehydrogenase deficiency. Last evaluated: 2024-02-16. Review status: criteria provided, single submitter. Criteria: Invitae Variant Classification Sherloc (09022015). Collection method: clinical testing. Allele origin: germline.
Comment: This sequence change replaces asparagine, which is neutral and polar, with lysine, which is basic and polar, at codon 499 of the PRODH protein (p.Asn499Lys). This variant is present in population databases (rs769832706, gnomAD 0.01%). This variant has not been reported in the literature in individuals affected with PRODH-related conditions. Advanced modeling of protein sequence and biophysical properties (such as structural, functional, and spatial information, amino acid conservation, physicochemical variation, residue mobility, and thermodynamic stability) performed at Invitae indicates that this missense variant is expected to disrupt PRODH protein function with a positive predictive value of 80%. In summary, the available evidence is currently insufficient to determine the role of this variant in disease. Therefore, it has been classified as a Variant of Uncertain Significance.

NM_016335.6(PRODH):c.1497T>A (p.Asn499Lys)

Gene: PRODH (proline dehydrogenase 1; minus strand). Cytogenetic location: 22q11.21.
Variant type: single nucleotide variant.
Coding change: c.1497T>A on transcript NM_016335.6 (MANE Select); coding-DNA position 1497, T replaced by A.
Protein change: p.Asn499Lys; replaces asparagine 499 with lysine.
Molecular consequence: missense variant.
Genome position (GRCh38, 1-based): chr22:18,916,919, A>T on the plus strand (T>A on the coding strand, the complement: PRODH is on the minus strand). VCF-style: chr22-18916919-A-T. GRCh37 (hg19) VCF-style: chr22-18904432-A-T.
Other names: c.1173T>A, p.Asn391Lys (NM_001195226.2, NM_001368250.2); short protein forms N391K, N499K.
Identifiers: ClinVar variation 3000230 (VCV003000230.2), dbSNP rs769832706, ClinGen allele CA10094923.